The following is an entry in ClinVar:

ClinVar aggregate classification (germline): Uncertain significance (1 of 4 stars; one submission).

Allele frequency attached by ClinVar (database versions not stated): gnomAD exomes below 0.00001; TOPMed below 0.00001; ExAC 0.00002.
gnomAD v4.1: 2 of 1,613,892 alleles (0.00012%); highest among the groups gnomAD compares: South Asian, 0.0011%; no homozygotes.

Submission:

Labcorp Genetics (formerly Invitae), Labcorp
Classification: Uncertain significance. Last evaluated: 2024-05-31. Review status: criteria provided, single submitter. Criteria: Invitae Variant Classification Sherloc (09022015). Collection method: clinical testing. Allele origin: germline.
Comment: This sequence change replaces proline, which is neutral and non-polar, with serine, which is neutral and polar, at codon 266 of the FLNB protein (p.Pro266Ser). This variant is present in population databases (rs751698758, gnomAD 0.003%). This variant has not been reported in the literature in individuals affected with FLNB-related conditions. ClinVar contains an entry for this variant (Variation ID: 2092691). Advanced modeling of protein sequence and biophysical properties (such as structural, functional, and spatial information, amino acid conservation, physicochemical variation, residue mobility, and thermodynamic stability) performed at Invitae indicates that this missense variant is not expected to disrupt FLNB protein function with a negative predictive value of 95%. In summary, the available evidence is currently insufficient to determine the role of this variant in disease. Therefore, it has been classified as a Variant of Uncertain Significance.

NM_001457.4(FLNB):c.796C>T (p.Pro266Ser)

Gene: FLNB (filamin B; plus strand). Cytogenetic location: 3p14.3.
Variant type: single nucleotide variant.
Coding change: c.796C>T on transcript NM_001457.4 (MANE Select); coding-DNA position 796, C replaced by T.
Protein change: p.Pro266Ser; replaces proline 266 with serine.
Molecular consequence: missense variant.
Genome position (GRCh38, 1-based): chr3:58,094,844, C>T. VCF-style: chr3-58094844-C-T. GRCh37 (hg19) VCF-style: chr3-58080571-C-T.
Other names: c.796C>T, p.Pro266Ser (NM_001164317.2, NM_001164318.2, NM_001164319.2); short protein forms P266S.
Identifiers: ClinVar variation 2092691 (VCV002092691.4), dbSNP rs751698758, ClinGen allele CA2467634.